The following is an entry in ClinVar:

NC_000004.11:g.(?_124011714)_(124011880_?)del

Gene: AFG2A (AFG2 AAA ATPase homolog A; plus strand). Cytogenetic location: 4q28.1.
Variant type: Deletion.
Identifiers: ClinVar variation 1075382 (VCV001075382.1).

ClinVar aggregate classification (germline): Pathogenic (1 of 4 stars; one submission).

Conditions:
Microcephaly-intellectual disability-sensorineural hearing loss-epilepsy-abnormal muscle tone syndrome (NEDHSB). Also called: NEURODEVELOPMENTAL DISORDER WITH HEARING LOSS, SEIZURES, AND BRAIN ABNORMALITIES. Identifiers: Orphanet 457351, MedGen C4225276, MONDO:0014698, OMIM 616577.

Submission:

Labcorp Genetics (formerly Invitae), Labcorp
Classification: Pathogenic for Microcephaly-intellectual disability-sensorineural hearing loss-epilepsy-abnormal muscle tone syndrome. Last evaluated: 2020-03-10. Review status: criteria provided, single submitter. Criteria: Invitae Variant Classification Sherloc (09022015). Collection method: clinical testing. Allele origin: germline.
Comment: This variant is an out-of-frame deletion of the genomic region encompassing exon(s) 14 of the SPATA5 gene. This is expected to create a premature translational stop signal and result in an absent or disrupted protein product. This variant has not been reported in the literature in individuals with SPATA5-related conditions. Loss-of-function variants in SPATA5 are known to be pathogenic (PMID: 26299366). For these reasons, this variant has been classified as Pathogenic.

Literature cited by the submitters: PubMed 26299366.